The following is an entry in ClinVar:

NM_001001433.3(STX16):c.*1652G>A

Genes: STX16 (syntaxin 16; plus strand), STX16-NPEPL1 (STX16-NPEPL1 readthrough (NMD candidate); plus strand). Cytogenetic location: 20q13.32.
Variant type: single nucleotide variant.
Coding change: c.*1652G>A on transcript NM_001001433.3 (MANE Select); 1652 bases downstream of the stop codon, G replaced by A.
Molecular consequence: 3 prime UTR variant. On other transcripts: non-coding transcript variant (3).
Genome position (GRCh38, 1-based): chr20:58,677,943, G>A. VCF-style: chr20-58677943-G-A. GRCh37 (hg19) VCF-style: chr20-57252999-G-A.
Other names: c.*1652G>A (NM_001134772.3, NM_001134773.3, NM_001204868.2 and 1 more transcripts).
Identifiers: ClinVar variation 339077 (VCV000339077.5), dbSNP rs186800651, ClinGen allele CA10652715.

ClinVar aggregate classification (germline): Benign (1 of 4 stars; one submission).

Conditions:
Pseudohypoparathyroidism type 1B (PHP1B). Also called: PHP IB; Pseudohypoparathyroidism Ib (PHP-Ib); Pseudohypoparathyroidism Type IB. Identifiers: Orphanet 94089, MedGen C1864100, MONDO:0011301, OMIM 603233.

Allele frequency attached by ClinVar (database versions not stated): gnomAD 0.00016 and 0.00028; TOPMed 0.00021; 1000 Genomes Project 0.00080; 1000 Genomes Project 30x 0.00109.

Submission:

Illumina Laboratory Services, Illumina
Classification: Benign for Pseudohypoparathyroidism type 1B. Last evaluated: 2018-01-13. Review status: criteria provided, single submitter. Criteria: ICSL Variant Classification Criteria 13 December 2019. Collection method: clinical testing. Allele origin: germline.
Comment: This variant was observed in the ICSL laboratory as part of a predisposition screen in an ostensibly healthy population. It had not been previously curated by ICSL or reported in the Human Gene Mutation Database (HGMD: prior to June 1st, 2018), and was therefore a candidate for classification through an automated scoring system. Utilizing variant allele frequency, disease prevalence and penetrance estimates, and inheritance mode, an automated score was calculated to assess if this variant is too frequent to cause the disease. Based on the score and internal cut-off values, a variant classified as benign is not then subjected to further curation. The score for this variant resulted in a classification of benign for this disease.